The following is an entry in ClinVar:

ClinVar aggregate classification (germline): Pathogenic. Review status: criteria provided, multiple submitters, no conflicts (2 of 4 stars). 3 submissions from 3 submitters: Pathogenic (2). 1 of the submissions does not count toward it. Last evaluated 2024-10-12.

Conditions:
Alkaptonuria (AKU). Also called: Alcaptonuria; HOMOGENTISIC ACID OXIDASE DEFICIENCY; Homogentisic acidura; Alkaptonuric ochronosis. Identifiers: Orphanet 56, MedGen C0002066, MONDO:0008753, OMIM 203500.

Allele frequency attached by ClinVar (database versions not stated): TOPMed 0.00003; gnomAD 0.00004.
gnomAD v4.1: 79 of 1,613,840 alleles (0.0049%); highest among the groups gnomAD compares: Non-Finnish European, 0.0064%; no homozygotes.

Submissions (3):

Labcorp Genetics (formerly Invitae), Labcorp
Classification: Pathogenic for Alkaptonuria. Last evaluated: 2024-10-12. Review status: criteria provided, single submitter. Criteria: Invitae Variant Classification Sherloc (09022015). Collection method: clinical testing. Allele origin: germline.
Comment: This sequence change replaces cysteine, which is neutral and slightly polar, with phenylalanine, which is neutral and non-polar, at codon 120 of the HGD protein (p.Cys120Phe). This variant is present in population databases (rs752153829, gnomAD 0.008%). This missense change has been observed in individual(s) with alkaptonuria (PMID: 19862842). ClinVar contains an entry for this variant (Variation ID: 1387389). Invitae Evidence Modeling of protein sequence and biophysical properties (such as structural, functional, and spatial information, amino acid conservation, physicochemical variation, residue mobility, and thermodynamic stability) indicates that this missense variant is expected to disrupt HGD protein function with a positive predictive value of 95%. This variant disrupts the p.Cys120 amino acid residue in HGD. Other variant(s) that disrupt this residue have been determined to be pathogenic (PMID: 2114497, 19862842). This suggests that this residue is clinically significant, and that variants that disrupt this residue are likely to be disease-causing. For these reasons, this variant has been classified as Pathogenic.

Fulgent Genetics
Classification: Pathogenic for Alkaptonuria. Last evaluated: 2024-03-04. Review status: criteria provided, single submitter. Criteria: ACMG Guidelines, 2015. Collection method: clinical testing. Allele origin: germline.

Department Of Human Genetics, Institute Of Clinical And Translational Research, Biomedical Research Center, Slovak Academy Of Sciences
Classification: Pathogenic for Alkaptonuria. Review status: no assertion criteria provided. Collection method: research. Allele origin: germline. Inheritance: Autosomal recessive inheritance. Affected: yes. Observed: 17 variant alleles. Not counted in ClinVar's aggregate classification.
Comment: The variant was originally described in AKU patient in PMID:19862842. It has been submitted to the HGD gene mutation database (DB-ID: AKU_00028).

Literature cited by the submitters: PubMed 19862842 (cited by Labcorp Genetics (formerly Invitae), Labcorp and Department Of Human Genetics, Institute Of Clinical And Translational Research, Biomedical Research Center, Slovak Academy Of Sciences); PubMed 2114497 (cited by Labcorp Genetics (formerly Invitae), Labcorp).

NM_000187.4(HGD):c.359G>T (p.Cys120Phe)

Gene: HGD (homogentisate 1,2-dioxygenase; minus strand). Cytogenetic location: 3q13.33.
Variant type: single nucleotide variant.
Coding change: c.359G>T on transcript NM_000187.4 (MANE Select); coding-DNA position 359, G replaced by T.
Protein change: p.Cys120Phe; replaces cysteine 120 with phenylalanine.
Molecular consequence: missense variant.
Genome position (GRCh38, 1-based): chr3:120,650,849, C>A on the plus strand (G>T on the coding strand, the complement: HGD is on the minus strand). VCF-style: chr3-120650849-C-A. GRCh37 (hg19) VCF-style: chr3-120369696-C-A.
Other names: short protein forms C120F.
Identifiers: ClinVar variation 1387389 (VCV001387389.8), dbSNP rs752153829, ClinGen allele CA2560230.
Genomic context (GRCh38, chr3:120,650,849, plus strand): 5'-GTATTGCAGAGGAAAATGTGGATAGCAAGCCCATTGTTAGACTTTATGTCTCCAGCTCCA[C>A]ACAAGGTATGCAGGCCCTGGGAGAGACCCACAGAAGAGGGAAAGGTTAATGTGAACGGTG-3'
Protein context (NP_000178.2, residues 110-130): VDFVSGLHTL[Cys120Phe]GAGDIKSNNG